The following is an entry in ClinVar:

ClinVar aggregate classification (germline): Uncertain significance (1 of 4 stars; one submission).

Conditions:
Hyper-IgE recurrent infection syndrome 1, autosomal dominant. Also called: STAT3 Hyper IgE Syndrome; Hyper-IgE recurrent infection syndrome 1; JOB SYNDROME; Job's Syndrome; HYPER-IgE SYNDROME 1, AUTOSOMAL DOMINANT, WITH RECURRENT INFECTIONS. Identifiers: Orphanet 2314, MedGen C2936739, MONDO:0007818, OMIM 147060.
STAT3 gain of function. Identifiers: MedGen C4288261.

Submission:

Labcorp Genetics (formerly Invitae), Labcorp
Classification: Uncertain significance for STAT3 gain of function; Hyper-IgE recurrent infection syndrome 1, autosomal dominant. Last evaluated: 2024-08-24. Review status: criteria provided, single submitter. Criteria: Invitae Variant Classification Sherloc (09022015). Collection method: clinical testing. Allele origin: germline.
Comment: This variant, c.894_896del, results in the deletion of 1 amino acid(s) of the STAT3 protein (p.Val299del), but otherwise preserves the integrity of the reading frame. This variant is not present in population databases (gnomAD no frequency). This variant has not been reported in the literature in individuals affected with STAT3-related conditions. Experimental studies and prediction algorithms are not available or were not evaluated, and the functional significance of this variant is currently unknown. In summary, the available evidence is currently insufficient to determine the role of this variant in disease. Therefore, it has been classified as a Variant of Uncertain Significance.

NM_139276.3(STAT3):c.894_896del (p.Val299del)

Gene: STAT3 (signal transducer and activator of transcription 3; minus strand). Cytogenetic location: 17q21.2.
Variant type: Deletion.
Coding change: c.894_896del on transcript NM_139276.3 (MANE Select); coding-DNA positions 894 to 896, 3 bases deleted (TGT; older notation c.894_896delTGT).
Protein change: p.Val299del; deletes valine 299.
Molecular consequence: inframe deletion.
Genome position (GRCh38, 1-based): chr17:42,333,951-42,333,953, ACA deleted on the plus strand (TGT on the coding strand, the reverse complement: STAT3 is on the minus strand); deleting any 3 consecutive bases within chr17:42,333,951-42,333,954 gives the same sequence; the c. name uses the placement nearest the transcript's 3' end. VCF-style (leftmost placement, unchanged base first): chr17-42333950-TACA-T. GRCh37 (hg19) VCF-style: chr17-40485968-TACA-T.
Other names: c.894_896del, p.Val299del (NM_001369512.1, NM_001369513.1, NM_001369514.1 and 15 more transcripts); c.816_818del, p.Val273del (NM_001384985.1); c.798_800del, p.Val267del (NM_001384989.1); short protein forms V267del, V273del, V299del.
Identifiers: ClinVar variation 3757725 (VCV003757725.2).